The following is an entry in ClinVar:

NM_024685.4(BBS10):c.653T>A (p.Phe218Tyr)

Gene: BBS10 (Bardet-Biedl syndrome 10; minus strand). Cytogenetic location: 12q21.2.
Variant type: single nucleotide variant.
Coding change: c.653T>A on transcript NM_024685.4 (MANE Select); coding-DNA position 653, T replaced by A.
Protein change: p.Phe218Tyr; replaces phenylalanine 218 with tyrosine.
Molecular consequence: missense variant.
Genome position (GRCh38, 1-based): chr12:76,347,332, A>T on the plus strand (T>A on the coding strand, the complement: BBS10 is on the minus strand). VCF-style: chr12-76347332-A-T. GRCh37 (hg19) VCF-style: chr12-76741112-A-T.
Other names: short protein forms F218Y.
Identifiers: ClinVar variation 1386806 (VCV001386806.3), dbSNP rs1316090880, ClinGen allele CA385814700.
Genomic context (GRCh38, chr12:76,347,332, plus strand): 5'-CCAGCTATGATCCTGGAATCTGAAACAGGAAGGCCAGTGACACCAACATTCAACTCTACA[A>T]AATGGTCATCCACTAACTCAAATACACCAATCCCACTTTTACAAGTCATACACTTGAAAA-3'
Protein context (NP_078961.3, residues 208-228): IGVFELVDDH[Phe218Tyr]VELNVGVTGL

ClinVar aggregate classification (germline): Uncertain significance (1 of 4 stars; one submission).

Conditions:
Bardet-Biedl syndrome (BBS). Identifiers: Orphanet 110, MedGen C0752166, MONDO:0015229.

Allele frequency attached by ClinVar (database versions not stated): TOPMed below 0.00001; gnomAD 0.00001.
gnomAD v4.1: 1 of 1,613,942 alleles (0.000062%); highest among the groups gnomAD compares: East Asian, 0.0022%; no homozygotes.

Submission:

Labcorp Genetics (formerly Invitae), Labcorp
Classification: Uncertain significance for Bardet-Biedl syndrome. Last evaluated: 2022-09-13. Review status: criteria provided, single submitter. Criteria: Invitae Variant Classification Sherloc (09022015). Collection method: clinical testing. Allele origin: germline.
Comment: This sequence change replaces phenylalanine, which is neutral and non-polar, with tyrosine, which is neutral and polar, at codon 218 of the BBS10 protein (p.Phe218Tyr). This variant is not present in population databases (gnomAD no frequency). This variant has not been reported in the literature in individuals affected with BBS10-related conditions. ClinVar contains an entry for this variant (Variation ID: 1386806). Advanced modeling of protein sequence and biophysical properties (such as structural, functional, and spatial information, amino acid conservation, physicochemical variation, residue mobility, and thermodynamic stability) performed at Invitae indicates that this missense variant is expected to disrupt BBS10 protein function. In summary, the available evidence is currently insufficient to determine the role of this variant in disease. Therefore, it has been classified as a Variant of Uncertain Significance.